The following is an entry in ClinVar:

NM_000264.5(PTCH1):c.2945G>A (p.Arg982Gln)

Gene: PTCH1 (patched 1; minus strand). Cytogenetic location: 9q22.32.
Variant type: single nucleotide variant.
Coding change: c.2945G>A on transcript NM_000264.5 (MANE Select); coding-DNA position 2945, G replaced by A.
Protein change: p.Arg982Gln; replaces arginine 982 with glutamine.
Molecular consequence: missense variant. On other transcripts: non-coding transcript variant (1).
Genome position (GRCh38, 1-based): chr9:95,458,236, C>T on the plus strand (G>A on the coding strand, the complement: PTCH1 is on the minus strand). VCF-style: chr9-95458236-C-T. GRCh37 (hg19) VCF-style: chr9-98220518-C-T.
Other names: c.2747G>A, p.Arg916Gln (NM_001083602.3); c.2942G>A, p.Arg981Gln (NM_001083603.3); c.2492G>A, p.Arg831Gln (NM_001083604.3, NM_001083605.3, NM_001083606.3 and 1 more transcripts); c.2789G>A, p.Arg930Gln (NM_001354918.2); c.2945G>A (NM_000264.4); short protein forms R916Q, R982Q, R831Q, R981Q, R930Q.
Identifiers: ClinVar variation 161356 (VCV000161356.20), dbSNP rs145924695, ClinGen allele CA211754.
Genomic context (GRCh38, chr9:95,458,236, plus strand): 5'-GTATAGTTGCTGCAGATGGTCCTTACTTTTTCAATTGCCTCCACAAAGTCTGAGGTGTCC[C>T]GCAAGCCGTTGAGGTAGAAAGGGAACTGGGCATACTCGATGGGCTCTGCTGCCGGGACTG-3'
Protein context (NP_000255.2, residues 972-992): AQFPFYLNGL[Arg982Gln]DTSDFVEAIE

ClinVar aggregate classification (germline): Conflicting classifications of pathogenicity. Review status: criteria provided, conflicting classifications (1 of 4 stars). 5 submissions from 5 submitters: Uncertain significance (1); Benign (1); Likely benign (2). 1 of the submissions does not count toward it. Last evaluated 2026-05-01.

Conditions:
Hereditary cancer-predisposing syndrome. Also called: Tumor predisposition; Neoplastic Syndromes, Hereditary; Hereditary neoplastic syndrome; Hereditary Cancer Syndrome. Identifiers: Orphanet 140162, MedGen C0027672, MeSH D009386, MONDO:0015356.
Congenital heart disease (CHD). Identifiers: MedGen C0152021, MONDO:0005453. Disease mechanism: unknown.
Gorlin syndrome. Also called: Nevoid Basal Cell Carcinoma Syndrome; Basal cell nevus syndrome. Identifiers: Orphanet 377, MedGen C0004779, MONDO:0007187.
PTCH1-related disorder. Also called: PTCH1-related disorders; PTCH1-related condition.

Allele frequency attached by ClinVar (database versions not stated): gnomAD 0.00001; gnomAD exomes 0.00001 and 0.00003; TOPMed 0.00001; ExAC 0.00004; ESP Exome Variant Server 0.00015.
gnomAD v4.1: 19 of 1,613,876 alleles (0.0012%); highest among the groups gnomAD compares: South Asian, 0.0066%; no homozygotes.

Submissions (5):

PreventionGenetics, part of Exact Sciences
Classification: Likely benign for PTCH1-related condition. Last evaluated: 2026-05-01. Review status: criteria provided, single submitter. Criteria: ACMG Guidelines, 2015. Collection method: clinical testing. Allele origin: germline.
Comment: This variant is classified as likely benign based on ACMG/AMP sequence variant interpretation guidelines (Richards et al. 2015 PMID: 25741868, with internal and published modifications).

Ambry Genetics
Classification: Likely benign for Hereditary cancer-predisposing syndrome. Last evaluated: 2026-03-09. Review status: criteria provided, single submitter. Criteria: Ambry Variant Classification Scheme 2023. Collection method: clinical testing. Allele origin: germline.

Labcorp Genetics (formerly Invitae), Labcorp
Classification: Benign for Gorlin syndrome. Last evaluated: 2025-11-10. Review status: criteria provided, single submitter. Criteria: Invitae Variant Classification Sherloc (09022015). Collection method: clinical testing. Allele origin: germline.

Quest Diagnostics Nichols Institute San Juan Capistrano
Classification: Uncertain significance. Last evaluated: 2024-10-29. Review status: criteria provided, single submitter. Criteria: Quest Diagnostics criteria. Collection method: clinical testing. Allele origin: unknown.
Comment: The PTCH1 c.2945G>A (p.Arg982Gln) variant has been identified in the published literature in the de novo state in an individual with a congenital heart disorder (PMID: 23665959 (2013)). The frequency of this variant in the general population, 0.00013 (4/30604 chromosomes in South Asian subpopulation (Genome Aggregation Database)), is higher than would generally be expected for pathogenic variants in this gene. Analysis of this variant using bioinformatics tools for the prediction of the effect of amino acid changes on protein structure and function yielded conflicting predictions that this variant is deleterious or benign. Additional analysis using software algorithms for the prediction of the effect of nucleotide changes on PTCH1 mRNA splicing yielded predictions that this variant may result in the gain of a cryptic splice site without affecting the natural splice sites. Based on the available information, we are unable to determine the clinical significance of this variant.

CSER _CC_NCGL, University of Washington
Classification: Uncertain significance for Congenital heart disease. Last evaluated: 2014-06-01. Review status: no assertion criteria provided. Collection method: research. Allele origin: germline. Inheritance: Autosomal dominant inheritance. Study: ESP 6500 variant annotation. Not counted in ClinVar's aggregate classification.
Comment: Variants classified for the Actionable exomic incidental findings in 6503 participants: challenges of variant classification manuscript

Literature cited by the submitters: PubMed 25637381 (cited by Ambry Genetics and Quest Diagnostics Nichols Institute San Juan Capistrano); PubMed 23665959 (cited by Quest Diagnostics Nichols Institute San Juan Capistrano).